The following is an entry in ClinVar:

NM_005120.3(MED12):c.5621A>G (p.Tyr1874Cys)

Gene: MED12 (mediator complex subunit 12; plus strand). Cytogenetic location: Xq13.1.
Variant type: single nucleotide variant.
Coding change: c.5621A>G on transcript NM_005120.3 (MANE Select); coding-DNA position 5621, A replaced by G.
Protein change: p.Tyr1874Cys; replaces tyrosine 1874 with cysteine.
Molecular consequence: missense variant.
Genome position (GRCh38, 1-based): chrX:71,137,256, A>G. VCF-style: chrX-71137256-A-G. GRCh37 (hg19) VCF-style: chrX-70357106-A-G.
Other names: short protein forms Y1874C.
Identifiers: ClinVar variation 4888151 (VCV004888151.1).
Genomic context (GRCh38, chrX:71,137,256, plus strand): 5'-GTGTGGACCCATACCGTCCTGTGCGCTTACCAATGCAGAAGCTGCCCACCCGACCAACTT[A>G]CCCTGGAGTGCTGCCCACAACCATGACTGGCGTCATGGGTTTAGAACCCTCCTCTTATAA-3'
Protein context (NP_005111.2, residues 1864-1884): PMQKLPTRPT[Tyr1874Cys]PGVLPTTMTG

ClinVar aggregate classification (germline): Uncertain significance (1 of 4 stars; one submission).

Submission:

GeneDx
Classification: Uncertain significance. Last evaluated: 2026-03-02. Review status: criteria provided, single submitter. Criteria: GeneDx Variant Classification Process June 2021. Collection method: clinical testing. Allele origin: germline.
Comment: Not observed at significant frequency in large population cohorts (gnomAD); In silico analysis suggests that this missense variant does not alter protein structure/function; Has not been previously published as pathogenic or benign to our knowledge